The following is an entry in ClinVar:

NM_000182.5(HADHA):c.1729A>T (p.Ser577Cys)

Genes: GAREM2 (GRB2 associated regulator of MAPK1 subtype 2; plus strand), HADHA (hydroxyacyl-CoA dehydrogenase trifunctional multienzyme complex subunit alpha; minus strand). Cytogenetic location: 2p23.3.
Variant type: single nucleotide variant.
Coding change: c.1729A>T on transcript NM_000182.5 (MANE Select); coding-DNA position 1729, A replaced by T.
Protein change: p.Ser577Cys; replaces serine 577 with cysteine.
Molecular consequence: missense variant.
Genome position (GRCh38, 1-based): chr2:26,193,733, T>A on the plus strand (A>T on the coding strand, the complement: HADHA is on the minus strand). VCF-style: chr2-26193733-T-A. GRCh37 (hg19) VCF-style: chr2-26416602-T-A.
Other names: short protein forms S577C.
Identifiers: ClinVar variation 1917799 (VCV001917799.5), dbSNP rs1051580353, ClinGen allele CA44378783.
Genomic context (GRCh38, chr2:26,193,733, plus strand): 5'-TCGCTACATCCACACCAACTTCATCCACCAGTGTGGCGGCACCCACAGGAAAGCCAAAGC[T>A]TGTGGTCAGGGAATCCAGCTTCTTCGGGTCAACTCCTTCCTGAACAGGAAGCGATGCAGG-3'
Protein context (NP_000173.2, residues 567-587): DPKKLDSLTT[Ser577Cys]FGFPVGAATL

ClinVar aggregate classification (germline): Uncertain significance (1 of 4 stars; one submission).

Conditions:
Mitochondrial trifunctional protein deficiency. Identifiers: Orphanet 746, MedGen C1969443, MONDO:0012172.
Long chain 3-hydroxyacyl-CoA dehydrogenase deficiency. Also called: Deficiency of long-chain 3-hydroxyacyl-coenzyme A dehydrogenase; LCHAD Deficiency. Identifiers: Orphanet 5, MedGen C3711645, MONDO:0012173, OMIM 609016.

Allele frequency attached by ClinVar (database versions not stated): gnomAD exomes below 0.00001.
gnomAD v4.1: 1 of 1,614,156 alleles (0.000062%); highest among the groups gnomAD compares: Non-Finnish European, 0.000085%; no homozygotes.

Submission:

Labcorp Genetics (formerly Invitae), Labcorp
Classification: Uncertain significance for Mitochondrial trifunctional protein deficiency; Long chain 3-hydroxyacyl-CoA dehydrogenase deficiency. Last evaluated: 2022-04-06. Review status: criteria provided, single submitter. Criteria: Invitae Variant Classification Sherloc (09022015). Collection method: clinical testing. Allele origin: germline.
Comment: In summary, the available evidence is currently insufficient to determine the role of this variant in disease. Therefore, it has been classified as a Variant of Uncertain Significance. Advanced modeling of protein sequence and biophysical properties (such as structural, functional, and spatial information, amino acid conservation, physicochemical variation, residue mobility, and thermodynamic stability) performed at Invitae indicates that this missense variant is not expected to disrupt HADHA protein function. This variant has not been reported in the literature in individuals affected with HADHA-related conditions. This variant is not present in population databases (gnomAD no frequency). This sequence change replaces serine, which is neutral and polar, with cysteine, which is neutral and slightly polar, at codon 577 of the HADHA protein (p.Ser577Cys).